The following is an entry in ClinVar:

ClinVar aggregate classification (germline): Uncertain significance (1 of 4 stars; one submission).

Submission:

Labcorp Genetics (formerly Invitae), Labcorp
Classification: Uncertain significance. Last evaluated: 2022-04-04. Review status: criteria provided, single submitter. Criteria: Invitae Variant Classification Sherloc (09022015). Collection method: clinical testing. Allele origin: germline.
Comment: This sequence change creates a premature translational stop signal (p.Val1061Trpfs*84) in the TAOK2 gene. While this is not anticipated to result in nonsense mediated decay, it is expected to disrupt the last 175 amino acid(s) of the TAOK2 protein. This variant has not been reported in the literature in individuals affected with TAOK2-related conditions. Experimental studies and prediction algorithms are not available or were not evaluated, and the functional significance of this variant is currently unknown. In summary, the available evidence is currently insufficient to determine the role of this variant in disease. Therefore, it has been classified as a Variant of Uncertain Significance. This variant is not present in population databases (gnomAD no frequency).

NM_016151.4(TAOK2):c.3181del (p.Val1061fs)

Gene: TAOK2 (TAO kinase 2; plus strand). Cytogenetic location: 16p11.2.
Variant type: Deletion.
Coding change: c.3181del on transcript NM_016151.4 (MANE Select); coding-DNA position 3181, one base deleted (G; older notation c.3181delG).
Protein change: p.Val1061fs; shifts the reading frame from valine 1061.
Molecular consequence: frameshift variant. On other transcripts: intron variant (1).
Genome position (GRCh38, 1-based): chr16:29,987,453, G deleted; the last of 2 consecutive G bases (chr16:29,987,452-29,987,453); deleting either gives the same sequence. VCF-style (leftmost placement, unchanged base first): chr16-29987451-TG-T. GRCh37 (hg19) VCF-style: chr16-29998772-TG-T.
Other names: c.2842del, p.Val948fs (NM_001252043.2); c.2232+949del (NM_004783.4); short protein forms V1061fs, V948fs.
Identifiers: ClinVar variation 2121360 (VCV002121360.4), dbSNP rs2543670727, ClinGen allele CA2580091451.